The following is an entry in ClinVar:

NM_015158.5(KANK1):c.3105GGA[3] (p.Glu1038_Glu1039del)

Gene: KANK1 (KN motif and ankyrin repeat domains 1; plus strand). Cytogenetic location: 9p24.3.
Variant type: Microsatellite.
Coding change: c.3105GGA[3] on transcript NM_015158.5 (MANE Select); three copies in a row of the 3-base unit GGA starting at c.3105; the reference has five copies in a row; two copies, 6 bases deleted.
Protein change: p.Glu1038_Glu1039del.
Molecular consequence: inframe deletion. On other transcripts: intron variant (5).
Genome position (GRCh38, 1-based): chr9:732,486-732,491, GGAGGA deleted; deleting any 6 consecutive bases within chr9:732,475-732,491 gives the same sequence; the position shown is the placement nearest the transcript's 3' end. VCF-style (leftmost placement, unchanged base first): chr9-732474-AGAGGAG-A. GRCh37 (hg19) VCF-style: chr9-732474-AGAGGAG-A.
Other names: c.3105GGA[3], p.Glu1038_Glu1039del (NM_001256876.3, NM_001256877.3, NM_001354334.2); c.3051GGA[3], p.Glu1020_Glu1021del (NM_001354332.2); c.2631GGA[3], p.Glu880_Glu881del (NM_001354333.2, NM_001354335.2, NM_001354337.2 and 2 more transcripts); c.2577GGA[3], p.Glu862_Glu863del (NM_001354338.2, NM_001354340.2, NM_001354344.2); c.3005+1209GAG[3] (NM_001354331.2); c.2477+1209GAG[3] (NM_001354336.2); c.2531+1209GAG[3] (NM_001354339.2, NM_001354343.2, NM_001354342.2).
Identifiers: ClinVar variation 1364841 (VCV001364841.8), dbSNP rs113586916, ClinGen allele CA4960775.

ClinVar aggregate classification (germline): Uncertain significance (1 of 4 stars; one submission).

Submission:

Labcorp Genetics (formerly Invitae), Labcorp
Classification: Uncertain significance. Last evaluated: 2024-07-19. Review status: criteria provided, single submitter. Criteria: Invitae Variant Classification Sherloc (09022015). Collection method: clinical testing. Allele origin: germline.
Comment: This variant, c.3114_3119del, results in the deletion of 2 amino acid(s) of the KANK1 protein (p.Glu1038_Glu1039del), but otherwise preserves the integrity of the reading frame. This variant is present in population databases (rs774575246, gnomAD 0.03%). This variant has not been reported in the literature in individuals affected with KANK1-related conditions. Experimental studies and prediction algorithms are not available or were not evaluated, and the functional significance of this variant is currently unknown. In summary, the available evidence is currently insufficient to determine the role of this variant in disease. Therefore, it has been classified as a Variant of Uncertain Significance.